The following is an entry in ClinVar:

NM_021020.5(LZTS1):c.1208C>T (p.Thr403Met)

Gene: LZTS1 (leucine zipper tumor suppressor 1; minus strand). Cytogenetic location: 8p21.3.
Variant type: single nucleotide variant.
Coding change: c.1208C>T on transcript NM_021020.5 (MANE Select); coding-DNA position 1208, C replaced by T.
Protein change: p.Thr403Met; replaces threonine 403 with methionine.
Molecular consequence: missense variant.
Genome position (GRCh38, 1-based): chr8:20,250,305, G>A on the plus strand (C>T on the coding strand, the complement: LZTS1 is on the minus strand). VCF-style: chr8-20250305-G-A. GRCh37 (hg19) VCF-style: chr8-20107816-G-A.
Other names: c.1208C>T, p.Thr403Met (NM_001362884.2); short protein forms T403M.
Identifiers: ClinVar variation 740925 (VCV000740925.10), dbSNP rs141630311, ClinGen allele CA4657327.

ClinVar aggregate classification (germline): Benign. Review status: criteria provided, multiple submitters, no conflicts (2 of 4 stars). 3 submissions from 3 submitters: Benign (2). 1 of the submissions does not count toward it. Last evaluated 2025-12-06.

Conditions:
LZTS1-related disorder. Also called: LZTS1-related condition.

Allele frequency attached by ClinVar (database versions not stated): gnomAD 0.00060 and 0.00064; TOPMed 0.00061; ExAC 0.00080; ESP Exome Variant Server 0.00085; gnomAD exomes 0.00109.
gnomAD v4.1: 932 of 1,613,142 alleles (0.058%); highest among the groups gnomAD compares: Non-Finnish European, 0.012%; 10 homozygotes.

Submissions (3):

Labcorp Genetics (formerly Invitae), Labcorp
Classification: Benign. Last evaluated: 2025-12-06. Review status: criteria provided, single submitter. Criteria: Invitae Variant Classification Sherloc (09022015). Collection method: clinical testing. Allele origin: germline.

Breakthrough Genomics
Classification: Benign. Review status: criteria provided, single submitter. Criteria: ACMG Guidelines, 2015. Collection method: not provided. Allele origin: germline. Inheritance: Autosomal dominant inheritance. Affected: yes.

PreventionGenetics, part of Exact Sciences
Classification: Benign for LZTS1-related condition. Last evaluated: 2019-03-20. Review status: no assertion criteria provided. Collection method: clinical testing. Allele origin: germline. Not counted in ClinVar's aggregate classification.
Comment: This variant is classified as benign based on ACMG/AMP sequence variant interpretation guidelines (Richards et al. 2015 PMID: 25741868, with internal and published modifications).